The following is an entry in ClinVar:

NM_030962.4(SBF2):c.2627C>G (p.Pro876Arg)

Genes: SBF2 (SET binding factor 2; minus strand), LOC101928008 (uncharacterized LOC101928008; plus strand). Cytogenetic location: 11p15.4.
Variant type: single nucleotide variant.
Coding change: c.2627C>G on transcript NM_030962.4 (MANE Select); coding-DNA position 2627, C replaced by G.
Protein change: p.Pro876Arg; replaces proline 876 with arginine.
Molecular consequence: missense variant.
Genome position (GRCh38, 1-based): chr11:9,850,202, G>C on the plus strand (C>G on the coding strand, the complement: SBF2 is on the minus strand). VCF-style: chr11-9850202-G-C. GRCh37 (hg19) VCF-style: chr11-9871749-G-C.
Other names: c.2627C>G, p.Pro876Arg (NM_001386339.1); c.2498C>G, p.Pro833Arg (NM_001386342.1); short protein forms P833R, P876R.
Identifiers: ClinVar variation 1061725 (VCV001061725.8), dbSNP rs912881512, ClinGen allele CA379635916.

ClinVar aggregate classification (germline): Uncertain significance. Review status: criteria provided, multiple submitters, no conflicts (2 of 4 stars). 2 submissions from 2 submitters: Uncertain significance (2). Last evaluated 2021-08-24.

Conditions:
Charcot-Marie-Tooth disease type 4. Also called: Charcot-Marie-Tooth, Type 4; Charcot-Marie-Tooth disease, type IV. Identifiers: Orphanet 64749, MedGen C4082197, MONDO:0018995.
Inborn genetic diseases. Identifiers: MedGen C0950123, MeSH D030342.

Allele frequency attached by ClinVar (database versions not stated): gnomAD exomes below 0.00001.
gnomAD v4.1: 2 of 1,613,418 alleles (0.00012%); highest among the groups gnomAD compares: Non-Finnish European, 0.00017%; no homozygotes.

Submissions (2):

Labcorp Genetics (formerly Invitae), Labcorp
Classification: Uncertain significance for Charcot-Marie-Tooth disease type 4. Last evaluated: 2021-08-24. Review status: criteria provided, single submitter. Criteria: Invitae Variant Classification Sherloc (09022015). Collection method: clinical testing. Allele origin: germline.
Comment: This sequence change replaces proline with arginine at codon 876 of the SBF2 protein (p.Pro876Arg). The proline residue is highly conserved and there is a moderate physicochemical difference between proline and arginine. This variant is not present in population databases (ExAC no frequency). This variant has not been reported in the literature in individuals affected with SBF2-related conditions. Algorithms developed to predict the effect of missense changes on protein structure and function are either unavailable or do not agree on the potential impact of this missense change (SIFT: "Deleterious"; PolyPhen-2: "Probably Damaging"; Align-GVGD: "Class C0"). In summary, the available evidence is currently insufficient to determine the role of this variant in disease. Therefore, it has been classified as a Variant of Uncertain Significance.

Ambry Genetics
Classification: Uncertain significance for Inborn genetic diseases. Last evaluated: 2021-05-21. Review status: criteria provided, single submitter. Criteria: Ambry Variant Classification Scheme 2023. Collection method: clinical testing. Allele origin: germline.
Comment: The p.P876R variant (also known as c.2627C>G), located in coding exon 22 of the SBF2 gene, results from a C to G substitution at nucleotide position 2627. The proline at codon 876 is replaced by arginine, an amino acid with dissimilar properties. This amino acid position is highly conserved in available vertebrate species. In addition, this alteration is predicted to be deleterious by in silico analysis. Since supporting evidence is limited at this time, the clinical significance of this alteration remains unclear.